The following is an entry in ClinVar:

ClinVar aggregate classification (germline): Uncertain significance (1 of 4 stars; one submission).

Conditions:
Cardiovascular phenotype. Identifiers: MedGen CN230736.

Submission:

Molecular Diagnostic Laboratory for Inherited Cardiovascular Disease, Montreal Heart Institute
Classification: Uncertain significance for Cardiovascular phenotype. Last evaluated: 2026-09-21. Review status: criteria provided, single submitter. Criteria: ACMG Guidelines, 2015. Collection method: clinical testing. Allele origin: germline. Affected: yes.
Comment: PM2

NM_198060.4(NRAP):c.3160A>G (p.Lys1054Glu)

Gene: NRAP (nebulin related anchoring protein; minus strand). Cytogenetic location: 10q25.3.
Variant type: single nucleotide variant.
Coding change: c.3160A>G on transcript NM_198060.4 (MANE Select); coding-DNA position 3160, A replaced by G.
Protein change: p.Lys1054Glu; replaces lysine 1054 with glutamic acid.
Molecular consequence: missense variant.
Genome position (GRCh38, 1-based): chr10:113,614,865, T>C on the plus strand (A>G on the coding strand, the complement: NRAP is on the minus strand). VCF-style: chr10-113614865-T-C. GRCh37 (hg19) VCF-style: chr10-115374624-T-C.
Other names: c.3160A>G, p.Lys1054Glu (NM_001261463.2); c.3052A>G, p.Lys1018Glu (NM_001322945.2); c.3055A>G, p.Lys1019Glu (NM_006175.5); short protein forms K1018E, K1019E, K1054E.
Identifiers: ClinVar variation 5037807 (VCV005037807.1), dbSNP rs1385904793.